The following is an entry in ClinVar:

ClinVar aggregate classification (germline): Pathogenic (1 of 4 stars; one submission).

Conditions:
Marfan syndrome (MFS). Also called: FBN1-Related Marfan Syndrome; MARFAN SYNDROME, TYPE I; Marfan syndrome type 1; Marfan's syndrome; Marfan syndrome, classic. Identifiers: Orphanet 284963, Orphanet 558, MedGen C0024796, MONDO:0007947, OMIM 154700.
Familial thoracic aortic aneurysm and aortic dissection (TAAD). Also called: Thoracic aortic aneurysms and dissections. Identifiers: Orphanet 91387, MedGen C4707243, MONDO:0019625.

Submission:

Labcorp Genetics (formerly Invitae), Labcorp
Classification: Pathogenic for Marfan syndrome; Familial thoracic aortic aneurysm and aortic dissection. Last evaluated: 2024-02-15. Review status: criteria provided, single submitter. Criteria: Invitae Variant Classification Sherloc (09022015). Collection method: clinical testing. Allele origin: germline.
Comment: This sequence change inserts a large fragment of DNA, likely a transposable element, in exon 54 of the FBN1 gene (c.6564_6565ins?), causing a frameshift at codon 2189 (p.Glu2189fs). The exact size and sequence of the insertion cannot be determined by the current assay. However, the insertion is expected to result in an absent or disrupted protein product. This variant is not present in population databases (gnomAD no frequency). This variant has not been reported in the literature in individuals affected with FBN1-related conditions. Retrotransposon insertions including LINE1 (L1), Alu, and SVA (SINE-VNTR-Alu) have been reported to be disease-causing through disruption of either a coding region or splice site (PMID: 19763152, 20307669, 22406018) and loss-of-function variants in FBN1 are known to be pathogenic (PMID: 17657824, 19293843). For these reasons, this variant has been classified as Pathogenic.

Literature cited by the submitters: PubMed 19763152; PubMed 20307669; PubMed 22406018; PubMed 17657824; PubMed 19293843.

NM_000138.5(FBN1):c.6564_6565insTTTTTTTTTTTTTTTTTTTTNNNNNNNNNNGTTTCACCGTTTTAGCCGGGATGGTCTCGATCTCCTGACCTCGTGATCCGCCCGCCTCGGCCTCCCAAAGTGCTGGGATTACAGGCGTGAGCCACCGCGCCCGGCGATTGGAGGTTTT (p.Glu2189delinsPhePhePhePhePhePheXaaXaaXaaXaaValSerProPheTer)

Gene: FBN1 (fibrillin 1; minus strand). Cytogenetic location: 15q21.1.
Variant type: Microsatellite.
Coding change: c.6564_6565insTTTTTTTTTTTTTTTTTTTTNNNNNNNNNNGTTTCACCGTTTTAGCCGGGATGGTCTCGATCTCCTGACCTCGTGATCCGCCCGCCTCGGCCTCCCAAAGTGCTGGGATTACAGGCGTGAGCCACCGCGCCCGGCGATTGGAGGTTTT on transcript NM_000138.5 (MANE Select); coding-DNA positions 6564 to 6565, TTTTTTTTTTTTTTTTTTTTNNNNNNNNNNGTTTCACCGTTTTAGCCGGGATGGTCTCGATCTCCTGACCTCGTGATCCGCCCGCCTCGGCCTCCCAAAGTGCTGGGATTACAGGCGTGAGCCACCGCGCCCGGCGATTGGAGGTTTT inserted.
Protein change: p.Glu2189delinsPhePhePhePhePhePheXaaXaaXaaXaaValSerProPheTer.
Molecular consequence: nonsense.
Genome position: GRCh38: chr15:48,434,646-48,434,658. GRCh37 (hg19): chr15:48,726,843-48,726,855.
Identifiers: ClinVar variation 1068666 (VCV001068666.6).